The following is an entry in ClinVar:

NM_004260.4(RECQL4):c.1115G>A (p.Arg372Lys)

Gene: RECQL4 (RecQ like helicase 4; minus strand). Cytogenetic location: 8q24.3.
Variant type: single nucleotide variant.
Coding change: c.1115G>A on transcript NM_004260.4 (MANE Select); coding-DNA position 1115, G replaced by A.
Protein change: p.Arg372Lys; replaces arginine 372 with lysine.
Molecular consequence: missense variant. On other transcripts: 5 prime UTR variant (6), non-coding transcript variant (3).
Genome position (GRCh38, 1-based): chr8:144,516,004, C>T on the plus strand (G>A on the coding strand, the complement: RECQL4 is on the minus strand). VCF-style: chr8-144516004-C-T. GRCh37 (hg19) VCF-style: chr8-145741388-C-T.
Other names: c.1019G>A, p.Arg340Lys (NM_001413017.1, NM_001413020.1); c.1115G>A, p.Arg372Lys (NM_001413018.1, NM_001413019.1, NM_001413033.1 and 2 more transcripts); c.44G>A, p.Arg15Lys (NM_001413021.1, NM_001413022.1, NM_001413023.1 and 8 more transcripts); c.986G>A, p.Arg329Lys (NM_001413025.1); c.-19G>A (NM_001413027.1, NM_001413030.1, NM_001413031.1 and 2 more transcripts); c.764G>A, p.Arg255Lys (NM_001413029.1); c.-226G>A (NM_001413043.1); short protein forms R340K, R15K, R255K, R329K, R372K.
Identifiers: ClinVar variation 3944350 (VCV003944350.1).

ClinVar aggregate classification (germline): Uncertain significance (1 of 4 stars; one submission).

Conditions:
Inborn genetic diseases. Identifiers: MedGen C0950123, MeSH D030342.

Submission:

Ambry Genetics
Classification: Uncertain significance for Inborn genetic diseases. Last evaluated: 2025-06-05. Review status: criteria provided, single submitter. Criteria: Ambry Variant Classification Scheme 2023. Collection method: clinical testing. Allele origin: germline.
Comment: The p.R372K variant (also known as c.1115G>A), located in coding exon 5 of the RECQL4 gene, results from a G to A substitution at nucleotide position 1115. The arginine at codon 372 is replaced by lysine, an amino acid with highly similar properties. This amino acid position is conserved. In addition, this alteration is predicted to be tolerated by in silico analysis. Based on the available evidence, the clinical significance of this variant remains unclear.